The following is an entry in ClinVar:

NM_001005242.3(PKP2):c.1831G>T (p.Val611Leu)

Gene: PKP2 (plakophilin 2; minus strand). Cytogenetic location: 12p11.21.
Variant type: single nucleotide variant.
Coding change: c.1831G>T on transcript NM_001005242.3 (MANE Select); coding-DNA position 1831, G replaced by T.
Protein change: p.Val611Leu; replaces valine 611 with leucine.
Molecular consequence: missense variant.
Genome position (GRCh38, 1-based): chr12:32,822,475, C>A on the plus strand (G>T on the coding strand, the complement: PKP2 is on the minus strand). VCF-style: chr12-32822475-C-A. GRCh37 (hg19) VCF-style: chr12-32975409-C-A.
Other names: c.1963G>T, p.Val655Leu (NM_004572.4); short protein forms V611L, V655L.
Identifiers: ClinVar variation 650999 (VCV000650999.11), dbSNP rs1003410304, ClinGen allele CA235238653.

ClinVar aggregate classification (germline): Uncertain significance. Review status: criteria provided, multiple submitters, no conflicts (2 of 4 stars). 3 submissions from 3 submitters: Uncertain significance (3). Last evaluated 2024-03-06.

Conditions:
Arrhythmogenic right ventricular cardiomyopathy (ARVD). Also called: Arrhythmogenic cardiomyopathy; Cardiomyopathy, ARVC; Arrhythmogenic right ventricular dysplasia; Arrhythmogenic Right Ventricular Cardiomyopathy (ARVC). Identifiers: Orphanet 247, MedGen C0349788, MeSH D019571, MONDO:0016587. Disease mechanism: loss of function. Inheritance: Various modes of inheritance.
Arrhythmogenic right ventricular dysplasia 9 (ARVD9). Also called: Arrhythmogenic Right Ventricular Dysplasia/Cardiomyopathy 9; ARRHYTHMOGENIC RIGHT VENTRICULAR DYSPLASIA, FAMILIAL, 9. Identifiers: MedGen C1836906, MONDO:0012180, OMIM 609040.
Cardiomyopathy (CMYO). Also called: Cardiomyopathies. Identifiers: Orphanet 167848, MedGen C0878544, MONDO:0004994, HP:0001638. Inheritance: Various modes of inheritance.

Allele frequency attached by ClinVar (database versions not stated): TOPMed 0.00001.

Submissions (3):

Color Diagnostics, LLC DBA Color Health
Classification: Uncertain significance for Cardiomyopathy. Last evaluated: 2024-03-06. Review status: criteria provided, single submitter. Criteria: ACMG Guidelines, 2015. Collection method: clinical testing. Allele origin: germline.
Comment: This missense variant replaces valine with leucine at codon 655 of the PKP2 protein. Computational prediction suggests that this variant may not impact protein structure and function (internally defined REVEL score threshold <= 0.5, PMID: 27666373). To our knowledge, functional studies have not been reported for this variant. This variant has not been reported in individuals affected with PKP2-related disorders in the literature. This variant has not been identified in the general population by the Genome Aggregation Database (gnomAD). The available evidence is insufficient to determine the role of this variant in disease conclusively. Therefore, this variant is classified as a Variant of Uncertain Significance.

All of Us Research Program, National Institutes of Health
Classification: Uncertain significance for Arrhythmogenic right ventricular cardiomyopathy. Last evaluated: 2024-03-05. Review status: criteria provided, single submitter. Criteria: ACMG Guidelines, 2015. Collection method: clinical testing. Allele origin: germline. Inheritance: Autosomal dominant inheritance. Observed: 2 variant alleles, 2 heterozygotes.
Comment: This missense variant replaces valine with leucine at codon 655 of the PKP2 protein. Computational prediction suggests that this variant may not impact protein structure and function (internally defined REVEL score threshold <= 0.5, PMID: 27666373). To our knowledge, functional studies have not been reported for this variant. This variant has not been reported in individuals affected with cardiovascular disorders in the literature. This variant has not been identified in the general population by the Genome Aggregation Database (gnomAD). The available evidence is insufficient to determine the role of this variant in disease conclusively. Therefore, this variant is classified as a Variant of Uncertain Significance.

This study involves interpretation of variants in research participants for the purpose of population health screening. Participant phenotype was not available at the time of variant classification. Additional details can be found in publication PMID: 35346344, PMCID: PMC8962531

Labcorp Genetics (formerly Invitae), Labcorp
Classification: Uncertain significance for Arrhythmogenic right ventricular dysplasia 9. Last evaluated: 2021-08-26. Review status: criteria provided, single submitter. Criteria: Invitae Variant Classification Sherloc (09022015). Collection method: clinical testing. Allele origin: germline.
Comment: This sequence change replaces valine with leucine at codon 655 of the PKP2 protein (p.Val655Leu). The valine residue is moderately conserved and there is a small physicochemical difference between valine and leucine. This variant is not present in population databases (ExAC no frequency). This variant has not been reported in the literature in individuals affected with PKP2-related conditions. Algorithms developed to predict the effect of missense changes on protein structure and function output the following: SIFT: "Tolerated"; PolyPhen-2: "Benign"; Align-GVGD: "Class C0". The leucine amino acid residue is found in multiple mammalian species, which suggests that this missense change does not adversely affect protein function. In summary, the available evidence is currently insufficient to determine the role of this variant in disease. Therefore, it has been classified as a Variant of Uncertain Significance.